The following is an entry in ClinVar:

NM_004036.5(ADCY3):c.2574C>A (p.Arg858=)

Gene: ADCY3 (adenylate cyclase 3; minus strand). Cytogenetic location: 2p23.3.
Variant type: single nucleotide variant.
Coding change: c.2574C>A on transcript NM_004036.5 (MANE Select); coding-DNA position 2574, C replaced by A.
Protein change: p.Arg858=; no amino-acid change (arginine 858 retained).
Molecular consequence: synonymous variant. On other transcripts: intron variant (1).
Genome position (GRCh38, 1-based): chr2:24,826,048, G>T on the plus strand (C>A on the coding strand, the complement: ADCY3 is on the minus strand). VCF-style: chr2-24826048-G-T. GRCh37 (hg19) VCF-style: chr2-25048917-G-T.
Other names: c.2577C>A, p.Arg859= (NM_001320613.2); c.2640C>A, p.Arg880= (NM_001377128.1); c.2436C>A, p.Arg812= (NM_001377129.1); c.1851C>A, p.Arg617= (NM_001377131.1); c.2574C>A, p.Arg858= (NM_001377132.1); c.2173-1512C>A (NM_001377130.1).
Identifiers: ClinVar variation 3060027 (VCV003060027.4), dbSNP rs768438599, ClinGen allele CA1553699.

ClinVar aggregate classification (germline): Likely benign. Review status: criteria provided, single submitter (1 of 4 stars). 2 submissions from 2 submitters: Likely benign (1). 1 of the submissions does not count toward it. Last evaluated 2024-10-17.

Conditions:
ADCY3-related disorder. Also called: ADCY3-related condition.

Allele frequency attached by ClinVar (database versions not stated): gnomAD 0.00002; gnomAD exomes 0.00002; TOPMed 0.00002; ExAC 0.00003.
gnomAD v4.1: 29 of 1,613,906 alleles (0.0018%); highest among the groups gnomAD compares: Non-Finnish European, 0.0022%; no homozygotes.

Submissions (2):

Labcorp Genetics (formerly Invitae), Labcorp
Classification: Likely benign. Last evaluated: 2024-10-17. Review status: criteria provided, single submitter. Criteria: Invitae Variant Classification Sherloc (09022015). Collection method: clinical testing. Allele origin: germline.

PreventionGenetics, part of Exact Sciences
Classification: Likely benign for ADCY3-related condition. Last evaluated: 2021-08-20. Review status: no assertion criteria provided. Collection method: clinical testing. Allele origin: germline. Not counted in ClinVar's aggregate classification.
Comment: This variant is classified as likely benign based on ACMG/AMP sequence variant interpretation guidelines (Richards et al. 2015 PMID: 25741868, with internal and published modifications).